The following is an entry in ClinVar:

ClinVar aggregate classification (germline): Uncertain significance (1 of 4 stars; one submission).

Conditions:
Jeune thoracic dystrophy. Also called: Jeune syndrome; Infantile thoracic dystrophy; Thoracic pelvic phalangeal dystrophy; Jeune's syndrome; Chondroectodermal dysplasia-like syndrome; Short-rib thoracic dysplasia. Identifiers: Orphanet 474, MedGen C0265275, MONDO:0018770.
Nephronophthisis. Also called: Juvenile Nephronophthisis. Identifiers: Orphanet 655, MedGen C0687120, MONDO:0019005, HP:0000090.

Submission:

Labcorp Genetics (formerly Invitae), Labcorp
Classification: Uncertain significance for Jeune thoracic dystrophy; Nephronophthisis. Last evaluated: 2022-02-23. Review status: criteria provided, single submitter. Criteria: Invitae Variant Classification Sherloc (09022015). Collection method: clinical testing. Allele origin: germline.
Comment: This sequence change replaces glutamic acid, which is acidic and polar, with lysine, which is basic and polar, at codon 859 of the TTC21B protein (p.Glu859Lys). This variant is not present in population databases (gnomAD no frequency). In summary, the available evidence is currently insufficient to determine the role of this variant in disease. Therefore, it has been classified as a Variant of Uncertain Significance. Algorithms developed to predict the effect of missense changes on protein structure and function are either unavailable or do not agree on the potential impact of this missense change (SIFT: "Tolerated"; PolyPhen-2: "Possibly Damaging"; Align-GVGD: "Class C0"). This variant has not been reported in the literature in individuals affected with TTC21B-related conditions.

NM_024753.5(TTC21B):c.2575G>A (p.Glu859Lys)

Gene: TTC21B (tetratricopeptide repeat domain 21B; minus strand). Cytogenetic location: 2q24.3.
Variant type: single nucleotide variant.
Coding change: c.2575G>A on transcript NM_024753.5 (MANE Select); coding-DNA position 2575, G replaced by A.
Protein change: p.Glu859Lys; replaces glutamic acid 859 with lysine.
Molecular consequence: missense variant.
Genome position (GRCh38, 1-based): chr2:165,901,904, C>T on the plus strand (G>A on the coding strand, the complement: TTC21B is on the minus strand). VCF-style: chr2-165901904-C-T. GRCh37 (hg19) VCF-style: chr2-166758414-C-T.
Other names: short protein forms E859K.
Identifiers: ClinVar variation 1391702 (VCV001391702.6), dbSNP rs2105306427, ClinGen allele CA349053201.